The following is an entry in ClinVar:

NM_031220.4(PITPNM3):c.*3239C>T

Gene: PITPNM3 (PITPNM family member 3; minus strand). Cytogenetic location: 17p13.2.
Variant type: single nucleotide variant.
Coding change: c.*3239C>T on transcript NM_031220.4 (MANE Select); 3239 bases downstream of the stop codon, C replaced by T.
Molecular consequence: 3 prime UTR variant.
Genome position (GRCh38, 1-based): chr17:6,452,099, G>A on the plus strand (C>T on the coding strand, the complement: PITPNM3 is on the minus strand). VCF-style: chr17-6452099-G-A. GRCh37 (hg19) VCF-style: chr17-6355419-G-A.
Other names: c.*3239C>T (NM_001165966.2).
Identifiers: ClinVar variation 324683 (VCV000324683.6), dbSNP rs11078630, ClinGen allele CA10646516.

ClinVar aggregate classification (germline): Benign. Review status: criteria provided, multiple submitters, no conflicts (2 of 4 stars). 2 submissions from 2 submitters: Benign (2). Last evaluated 2018-01-13.

Conditions:
Cone-rod dystrophy 5 (CORD5). Identifiers: Orphanet 1872, MedGen C1832976, MONDO:0010969, OMIM 600977.

Allele frequency attached by ClinVar (database versions not stated): TOPMed 0.23857; gnomAD 0.24348 and 0.25176; gnomAD exomes 0.31818; 1000 Genomes Project 30x 0.32636; 1000 Genomes Project 0.33307.
gnomAD v4.1: 38,192 of 152,018 alleles (25%); highest among the groups gnomAD compares: East Asian, 57%; 5,216 homozygotes.

Submissions (2):

Illumina Laboratory Services, Illumina
Classification: Benign for Cone-rod dystrophy 5. Last evaluated: 2018-01-13. Review status: criteria provided, single submitter. Criteria: ICSL Variant Classification Criteria 13 December 2019. Collection method: clinical testing. Allele origin: germline.
Comment: This variant was observed in the ICSL laboratory as part of a predisposition screen in an ostensibly healthy population. It had not been previously curated by ICSL or reported in the Human Gene Mutation Database (HGMD: prior to June 1st, 2018), and was therefore a candidate for classification through an automated scoring system. Utilizing variant allele frequency, disease prevalence and penetrance estimates, and inheritance mode, an automated score was calculated to assess if this variant is too frequent to cause the disease. Based on the score and internal cut-off values, a variant classified as benign is not then subjected to further curation. The score for this variant resulted in a classification of benign for this disease.

Breakthrough Genomics
Classification: Benign. Review status: criteria provided, single submitter. Criteria: ACMG Guidelines, 2015. Collection method: not provided. Allele origin: germline. Inheritance: Autosomal dominant inheritance. Affected: yes.